The following is an entry in ClinVar:

ClinVar aggregate classification (germline): Uncertain significance (1 of 4 stars; one submission).

Allele frequency attached by ClinVar (database versions not stated): ExAC 0.00001; gnomAD 0.00002.
gnomAD v4.1: 6 of 1,613,798 alleles (0.00037%); highest among the groups gnomAD compares: African/African-American, 0.0053%; no homozygotes.

Submission:

Labcorp Genetics (formerly Invitae), Labcorp
Classification: Uncertain significance. Last evaluated: 2023-07-19. Review status: criteria provided, single submitter. Criteria: Invitae Variant Classification Sherloc (09022015). Collection method: clinical testing. Allele origin: germline.
Comment: This variant has not been reported in the literature in individuals affected with RP1-related conditions. This variant is present in population databases (rs746624465, gnomAD 0.007%). This sequence change replaces lysine, which is basic and polar, with asparagine, which is neutral and polar, at codon 2022 of the RP1 protein (p.Lys2022Asn). Algorithms developed to predict the effect of missense changes on protein structure and function output the following: SIFT: "Not Available"; PolyPhen-2: "Benign"; Align-GVGD: "Not Available". The asparagine amino acid residue is found in multiple mammalian species, which suggests that this missense change does not adversely affect protein function. In summary, the available evidence is currently insufficient to determine the role of this variant in disease. Therefore, it has been classified as a Variant of Uncertain Significance.

NM_006269.2(RP1):c.6066G>T (p.Lys2022Asn)

Genes: RP1 (RP1 axonemal microtubule associated; plus strand), LOC126860392 (CDK7 strongly-dependent group 2 enhancer GRCh37_chr8:55541319-55542518; plus strand). Cytogenetic location: 8q12.1.
Variant type: single nucleotide variant.
Coding change: c.6066G>T on transcript NM_006269.2 (MANE Select); coding-DNA position 6066, G replaced by T.
Protein change: p.Lys2022Asn; replaces lysine 2022 with asparagine.
Molecular consequence: missense variant. On other transcripts: intron variant (1).
Genome position (GRCh38, 1-based): chr8:54,629,948, G>T. VCF-style: chr8-54629948-G-T. GRCh37 (hg19) VCF-style: chr8-55542508-G-T.
Other names: c.787+7660G>T (NM_001375654.1); short protein forms K2022N.
Identifiers: ClinVar variation 2787882 (VCV002787882.3), dbSNP rs746624465, ClinGen allele CA4752173.